The following is an entry in ClinVar:

NM_001009944.3(PKD1):c.4230C>G (p.Tyr1410Ter)

Gene: PKD1 (polycystin 1, transient receptor potential channel interacting; minus strand). Cytogenetic location: 16p13.3.
Variant type: single nucleotide variant.
Coding change: c.4230C>G on transcript NM_001009944.3 (MANE Select); coding-DNA position 4230, C replaced by G.
Protein change: p.Tyr1410Ter; replaces tyrosine 1410 with a stop codon.
Molecular consequence: nonsense.
Genome position (GRCh38, 1-based): chr16:2,110,937, G>C on the plus strand (C>G on the coding strand, the complement: PKD1 is on the minus strand). VCF-style: chr16-2110937-G-C. GRCh37 (hg19) VCF-style: chr16-2160938-G-C.
Other names: c.4230C>G, p.Tyr1410Ter (NM_000296.4); short protein forms Y1410*.
Identifiers: ClinVar variation 4530814 (VCV004530814.1).

ClinVar aggregate classification (germline): Pathogenic (1 of 4 stars; one submission).

Submission:

GeneDx
Classification: Pathogenic. Last evaluated: 2025-05-20. Review status: criteria provided, single submitter. Criteria: GeneDx Variant Classification Process June 2021. Collection method: clinical testing. Allele origin: germline. Affected: yes.
Comment: Nonsense variant predicted to result in protein truncation or nonsense mediated decay in a gene for which loss of function is a known mechanism of disease; Not observed at significant frequency in large population cohorts (gnomAD); This variant is associated with the following publications: (PMID: 33639313)